The following is an entry in ClinVar:

NM_000369.5(TSHR):c.2234C>G (p.Ser745Cys)

Genes: TSHR (thyroid stimulating hormone receptor; plus strand), TSHR-AS1 (TSHR antisense RNA 1; minus strand). Cytogenetic location: 14q31.1.
Variant type: single nucleotide variant.
Coding change: c.2234C>G on transcript NM_000369.5 (MANE Select); coding-DNA position 2234, C replaced by G.
Protein change: p.Ser745Cys; replaces serine 745 with cysteine.
Molecular consequence: missense variant.
Genome position (GRCh38, 1-based): chr14:81,144,292, C>G. VCF-style: chr14-81144292-C-G. GRCh37 (hg19) VCF-style: chr14-81610636-C-G.
Other names: short protein forms S745C.
Identifiers: ClinVar variation 2636082 (VCV002636082.2), dbSNP rs371176958, ClinGen allele CA7294610.

ClinVar aggregate classification (germline): Uncertain significance. Review status: criteria provided, multiple submitters, no conflicts (2 of 4 stars). 2 submissions from 2 submitters: Uncertain significance (2). Last evaluated 2023-06-30.

Conditions:
Familial gestational hyperthyroidism. Identifiers: Orphanet 99819, MedGen C1863959, MONDO:0011309, OMIM 603373.
Hypothyroidism due to TSH receptor mutations. Also called: Hypothyroidism, congenital, nongoitrous, 1; HYPOTHYROIDISM DUE TO UNRESPONSIVENESS TO THYROTROPIN; HYPOTHYROIDISM, CONGENITAL, DUE TO TSH RESISTANCE; HYPOTHYROIDISM, NONAUTOIMMUNE; THYROID-STIMULATING HORMONE, RESISTANCE TO; TSH RESISTANCE. Identifiers: Orphanet 90673, MedGen C3493776, MONDO:0010142, OMIM 275200.
Familial hyperthyroidism due to mutations in TSH receptor. Also called: HYPERTHYROIDISM, CONGENITAL NONAUTOIMMUNE; HYPERTHYROIDISM, NONAUTOIMMUNE, AUTOSOMAL DOMINANT; TOXIC THYROID HYPERPLASIA, AUTOSOMAL DOMINANT. Identifiers: Orphanet 424, MedGen C1836706, MONDO:0012203, OMIM 609152.
TSHR-related disorder. Also called: TSHR-related condition; TSHR-related disorders.

Allele frequency attached by ClinVar (database versions not stated): ExAC 0.00005; TOPMed 0.00009; gnomAD 0.00011; ESP Exome Variant Server 0.00015; 1000 Genomes Project 0.00020; 1000 Genomes Project 30x 0.00031.
gnomAD v4.1: 227 of 1,614,142 alleles (0.014%); highest among the groups gnomAD compares: Non-Finnish European, 0.018%; no homozygotes.

Submissions (2):

PreventionGenetics, part of Exact Sciences
Classification: Uncertain significance for TSHR-related condition. Last evaluated: 2023-06-30. Review status: criteria provided, single submitter. Criteria: ACMG Guidelines, 2015. Collection method: clinical testing. Allele origin: germline.
Comment: The TSHR c.2234C>G variant is predicted to result in the amino acid substitution p.Ser745Cys. This variant was reported in individuals with hypothyroidism and growth delay, however its reported clinical significance was uncertain and segregation data was not provided (Vigone et al. 2017. PubMed ID: 28561265; Table S3, de Filippis et al 2017. PubMed ID: 28444304). This variant is reported in 0.016% of alleles in individuals of European (Non-Finnish) descent in gnomAD. At this time, the clinical significance of this variant is uncertain due to the absence of conclusive functional and genetic evidence.

Department of Pathology and Laboratory Medicine, Sinai Health System
Classification: Uncertain significance for Hypothyroidism due to TSH receptor mutations; Familial gestational hyperthyroidism; Familial hyperthyroidism due to mutations in TSH receptor. Last evaluated: 2022-05-20. Review status: criteria provided, single submitter. Criteria: ACMG Guidelines, 2015. Collection method: research. Allele origin: germline.